The following is an entry in ClinVar:

ClinVar aggregate classification (germline): Uncertain significance (1 of 4 stars; one submission).

Conditions:
Koolen-de Vries syndrome (KDVS). Identifiers: Orphanet 96169, MedGen C1864871, MONDO:0012496, OMIM 610443.

gnomAD v4.1: 11 of 1,614,136 alleles (0.00068%); highest among the groups gnomAD compares: Non-Finnish European, 0.00093%; no homozygotes.

Submission:

Labcorp Genetics (formerly Invitae), Labcorp
Classification: Uncertain significance for Koolen-de Vries syndrome. Last evaluated: 2021-08-23. Review status: criteria provided, single submitter. Criteria: Invitae Variant Classification Sherloc (09022015). Collection method: clinical testing. Allele origin: germline.
Comment: Due to the possible presence of a polymorphic segmental duplication, the location of the variant could not be unambiguously resolved. Variants with ambiguous mapping are still reported relative to the KANSL1 transcript. This sequence change replaces leucine with phenylalanine at codon 258 of the KANSL1 protein (p.Leu258Phe). The leucine residue is highly conserved and there is a small physicochemical difference between leucine and phenylalanine. The frequency data for this variant in the population databases (ExAC) is considered unreliable due to the presence of homologous sequence, such as pseudogenes or paralogs, in the genome. This variant has not been reported in the literature in individuals with KANSL1-related conditions. Algorithms developed to predict the effect of missense changes on protein structure and function output the following: SIFT: "Deleterious"; PolyPhen-2: "Benign"; Align-GVGD: "Class C0". The phenylalanine amino acid residue is found in multiple mammalian species, which suggests that this missense change does not adversely affect protein function. Until the location of this sequence change can be resolved, the clinical significance of this variant remains uncertain. It has been classified as a Variant of Uncertain Significance.

NM_015443.4(KANSL1):c.774G>C (p.Leu258Phe)

Gene: KANSL1 (KAT8 regulatory NSL complex subunit 1). Cytogenetic location: 17q21.31.
Variant type: single nucleotide variant.
Coding change: c.774G>C on transcript NM_015443.4 (MANE Select); coding-DNA position 774, G replaced by C.
Protein change: p.Leu258Phe; replaces leucine 258 with phenylalanine.
Molecular consequence: missense variant.
Genome position (GRCh38, 1-based): chr17:46,171,370, C>G on the plus strand (G>C on the coding strand, the complement: KANSL1 is on the minus strand). VCF-style: chr17-46171370-C-G. GRCh37 (hg19) VCF-style: chr17-44248736-C-G.
Other names: c.774G>C, p.Leu258Phe (NM_001193465.2, NM_001193466.2, NM_001379198.1); short protein forms L258F.
Identifiers: ClinVar variation 1513614 (VCV001513614.1), dbSNP rs202232945, ClinGen allele CA8618965.